The following is an entry in ClinVar:

ClinVar aggregate classification (germline): Uncertain significance (1 of 4 stars; one submission).

Allele frequency attached by ClinVar (database versions not stated): gnomAD exomes below 0.00001.
gnomAD v4.1: 1 of 1,613,656 alleles (0.000062%); highest among the groups gnomAD compares: Non-Finnish European, 0.000085%; no homozygotes.

Submission:

Labcorp Genetics (formerly Invitae), Labcorp
Classification: Uncertain significance. Last evaluated: 2022-08-21. Review status: criteria provided, single submitter. Criteria: Invitae Variant Classification Sherloc (09022015). Collection method: clinical testing. Allele origin: germline.
Comment: In summary, the available evidence is currently insufficient to determine the role of this variant in disease. Therefore, it has been classified as a Variant of Uncertain Significance. Algorithms developed to predict the effect of missense changes on protein structure and function output the following: SIFT: "Tolerated"; PolyPhen-2: "Benign"; Align-GVGD: "Class C0". The arginine amino acid residue is found in multiple mammalian species, which suggests that this missense change does not adversely affect protein function. This variant has not been reported in the literature in individuals affected with DNAH9-related conditions. This variant is not present in population databases (gnomAD no frequency). This sequence change replaces glutamine, which is neutral and polar, with arginine, which is basic and polar, at codon 802 of the DNAH9 protein (p.Gln802Arg).

NM_001372.4(DNAH9):c.2405A>G (p.Gln802Arg)

Gene: DNAH9 (dynein axonemal heavy chain 9; plus strand). Cytogenetic location: 17p12.
Variant type: single nucleotide variant.
Coding change: c.2405A>G on transcript NM_001372.4 (MANE Select); coding-DNA position 2405, A replaced by G.
Protein change: p.Gln802Arg; replaces glutamine 802 with arginine.
Molecular consequence: missense variant.
Genome position (GRCh38, 1-based): chr17:11,652,812, A>G. VCF-style: chr17-11652812-A-G. GRCh37 (hg19) VCF-style: chr17-11556129-A-G.
Other names: short protein forms Q802R.
Identifiers: ClinVar variation 1717389 (VCV001717389.5), dbSNP rs2544306469, ClinGen allele CA398177395.